The following is an entry in ClinVar:

ClinVar aggregate classification (germline): Likely benign (1 of 4 stars; one submission).

Conditions:
KIDINS220-related disorder. Also called: KIDINS220-related condition.

gnomAD v4.1: 22 of 1,504,218 alleles (0.0015%); highest among the groups gnomAD compares: Non-Finnish European, 0.0019%; no homozygotes.

Submission:

PreventionGenetics, part of Exact Sciences
Classification: Likely benign for KIDINS220-related condition. Last evaluated: 2026-08-20. Review status: criteria provided, single submitter. Criteria: ACMG Guidelines, 2015. Collection method: clinical testing. Allele origin: germline.
Comment: This variant is classified as likely benign based on ACMG/AMP sequence variant interpretation guidelines (Richards et al. 2015 PMID: 25741868, with internal and published modifications).

NM_020738.4(KIDINS220):c.999+10G>A

Gene: KIDINS220 (kinase D interacting substrate 220; minus strand). Cytogenetic location: 2p25.1.
Variant type: single nucleotide variant.
Coding change: c.999+10G>A on transcript NM_020738.4 (MANE Select); 10 bases into the intron after coding-DNA position 999, G replaced by A.
Molecular consequence: intron variant.
Genome position (GRCh38, 1-based): chr2:8,798,192, C>T on the plus strand (G>A on the coding strand, the complement: KIDINS220 is on the minus strand). VCF-style: chr2-8798192-C-T. GRCh37 (hg19) VCF-style: chr2-8938322-C-T.
Other names: c.999+10G>A (NM_001348741.2, NM_001348738.2, NM_001348742.2 and 3 more transcripts); c.1002+10G>A (NM_001348739.2, NM_001348740.2, NM_001348734.2 and 3 more transcripts); c.873+10G>A (NM_001348736.2).
Identifiers: ClinVar variation 4977016 (VCV004977016.1).